The following is an entry in ClinVar:

ClinVar aggregate classification (germline): Uncertain significance (1 of 4 stars; one submission).

Conditions:
Hereditary motor and sensory neuropathy, Okinawa type (HMSNO). Also called: HEREDITARY MOTOR AND SENSORY NEUROPATHY, PROXIMAL TYPE. Identifiers: Orphanet 90117, MedGen C1858338, MONDO:0011468, OMIM 604484.
Hereditary spastic paraplegia 57. Also called: Spastic paraplegia 57, autosomal recessive. Identifiers: Orphanet 431329, MedGen C3714897, MONDO:0014295, OMIM 615658.

Submission:

Labcorp Genetics (formerly Invitae), Labcorp
Classification: Uncertain significance for Hereditary motor and sensory neuropathy, Okinawa type; Hereditary spastic paraplegia 57. Last evaluated: 2023-03-10. Review status: criteria provided, single submitter. Criteria: Invitae Variant Classification Sherloc (09022015). Collection method: clinical testing. Allele origin: germline.
Comment: In summary, the available evidence is currently insufficient to determine the role of this variant in disease. Therefore, it has been classified as a Variant of Uncertain Significance. This variant has not been reported in the literature in individuals affected with TFG-related conditions. This variant is not present in population databases (gnomAD no frequency). This sequence change creates a premature translational stop signal (p.Tyr339*) in the TFG gene. While this is not anticipated to result in nonsense mediated decay, it is expected to disrupt the last 62 amino acid(s) of the TFG protein.

NM_006070.6(TFG):c.1017T>A (p.Tyr339Ter)

Gene: TFG (trafficking from ER to golgi regulator; plus strand). Cytogenetic location: 3q12.2.
Variant type: single nucleotide variant.
Coding change: c.1017T>A on transcript NM_006070.6 (MANE Select); coding-DNA position 1017, T replaced by A.
Protein change: p.Tyr339Ter; replaces tyrosine 339 with a stop codon.
Molecular consequence: nonsense.
Genome position (GRCh38, 1-based): chr3:100,748,345, T>A. VCF-style: chr3-100748345-T-A. GRCh37 (hg19) VCF-style: chr3-100467189-T-A.
Other names: c.1017T>A, p.Tyr339Ter (NM_001007565.2, NM_001195478.2); c.1005T>A, p.Tyr335Ter (NM_001195479.2); short protein forms Y339*, Y335*.
Identifiers: ClinVar variation 2945125 (VCV002945125.3), dbSNP rs1202673440, ClinGen allele CA353854184.
Genomic context (GRCh38, chr3:100,748,345, plus strand): 5'-CCAGGCGAGCAATTATCCTGCACAAACTTACACTGCCCAAACTTCTCAGCCTACTAATTA[T>A]ACTGTGGCTCCTGCCTCTCAACCTGGAATGGCTCCAAGCCAACCTGGGGCCTATCAACCA-3'